The following is an entry in ClinVar:

ClinVar aggregate classification (germline): Likely benign (1 of 4 stars; one submission).

gnomAD v4.1: 219 of 1,611,836 alleles (0.014%); highest among the groups gnomAD compares: East Asian, 0.41%; no homozygotes.

Submission:

CeGaT Center for Human Genetics Tuebingen
Classification: Likely benign. Last evaluated: 2025-03-01. Review status: criteria provided, single submitter. Criteria: CeGaT Center For Human Genetics Tuebingen Variant Classification Criteria Version 2. Collection method: clinical testing. Allele origin: germline. Affected: yes. Observed: 1 variant allele.
Comment: CCDC32: BP4, BP7

NM_001080792.4(CCDC32):c.516C>T (p.Asp172=)

Gene: CCDC32 (coiled-coil domain containing 32; minus strand). Cytogenetic location: 15q15.1.
Variant type: single nucleotide variant.
Coding change: c.516C>T on transcript NM_001080792.4 (MANE Select); coding-DNA position 516, C replaced by T.
Protein change: p.Asp172=; no amino-acid change (aspartic acid 172 retained).
Molecular consequence: synonymous variant. On other transcripts: intron variant (6).
Genome position (GRCh38, 1-based): chr15:40,554,013, G>A on the plus strand (C>T on the coding strand, the complement: CCDC32 is on the minus strand). VCF-style: chr15-40554013-G-A. GRCh37 (hg19) VCF-style: chr15-40846212-G-A.
Other names: c.516C>T, p.Asp172= (NM_001080791.4, NM_001382434.1, NM_001382435.1 and 2 more transcripts); c.534C>T, p.Asp178= (NM_001382442.1); c.401+3203C>T (NM_001382439.1, NM_001382440.1, NM_001382441.1 and 3 more transcripts).
Identifiers: ClinVar variation 3778117 (VCV003778117.7).